The following is an entry in ClinVar:

NM_001378454.1(ALMS1):c.6165del (p.Asn2055fs)

Gene: ALMS1 (ALMS1 centrosome and basal body associated protein; plus strand). Cytogenetic location: 2p13.1.
Variant type: Deletion.
Coding change: c.6165del on transcript NM_001378454.1 (MANE Select); coding-DNA position 6165, one base deleted (T; older notation c.6165delT).
Protein change: p.Asn2055fs; shifts the reading frame from asparagine 2055.
Molecular consequence: frameshift variant.
Genome position (GRCh38, 1-based): chr2:73,452,692, T deleted. VCF-style (leftmost placement, unchanged base first): chr2-73452691-AT-A. GRCh37 (hg19) VCF-style: chr2-73679818-AT-A.
Other names: c.6168del, p.Asn2056fs (NM_015120.4); c.6168delT (NM_015120.4); short protein forms N2055fs, N2056fs.
Identifiers: ClinVar variation 2564331 (VCV002564331.4), dbSNP rs1281013806, ClinGen allele CA892816683.
Genomic context (GRCh38, chr2:73,452,691, plus strand): 5'-ACCAGAAGACTCCATCCCAGACAGCTTTTCATAGTTCCTATTCTCAAACAGTAAAGCCCA[AT>A]ATTTTATTTCAACAGCAGTTGCCAGATAGAGATCAAAGTAAAGGTATTCTAAAGATTTCA-3'

ClinVar aggregate classification (germline): Pathogenic. Review status: criteria provided, multiple submitters, no conflicts (2 of 4 stars). 2 submissions from 2 submitters: Pathogenic (2). Last evaluated 2025-02-12.

Conditions:
Cardiovascular phenotype. Identifiers: MedGen CN230736.
Alstrom syndrome (ALMS). Identifiers: Orphanet 64, MedGen C0268425, MONDO:0008763, OMIM 203800.

Allele frequency attached by ClinVar (database versions not stated): gnomAD 0.00001; TOPMed 0.00002.

Submissions (2):

Labcorp Genetics (formerly Invitae), Labcorp
Classification: Pathogenic for Alstrom syndrome. Last evaluated: 2025-02-12. Review status: criteria provided, single submitter. Criteria: Invitae Variant Classification Sherloc (09022015). Collection method: clinical testing. Allele origin: germline.
Comment: This sequence change creates a premature translational stop signal (p.Asn2056Lysfs*18) in the ALMS1 gene. It is expected to result in an absent or disrupted protein product. Loss-of-function variants in ALMS1 are known to be pathogenic (PMID: 17594715). This variant is not present in population databases (gnomAD no frequency). This variant has not been reported in the literature in individuals affected with ALMS1-related conditions. ClinVar contains an entry for this variant (Variation ID: 2564331). For these reasons, this variant has been classified as Pathogenic.

Ambry Genetics
Classification: Pathogenic for Cardiovascular phenotype. Last evaluated: 2023-04-11. Review status: criteria provided, single submitter. Criteria: Ambry Variant Classification Scheme 2023. Collection method: clinical testing. Allele origin: germline.
Comment: The c.6168delT pathogenic mutation, located in coding exon 8 of the ALMS1 gene, results from a deletion of one nucleotide at nucleotide position 6168, causing a translational frameshift with a predicted alternate stop codon (p.N2056Kfs*18). This variant is considered to be rare based on population cohorts in the Genome Aggregation Database (gnomAD). This alteration is expected to result in loss of function by premature protein truncation or nonsense-mediated mRNA decay. As such, this alteration is interpreted as a disease-causing mutation.

Literature cited by the submitters: PubMed 17594715 (cited by Labcorp Genetics (formerly Invitae), Labcorp).